The following is an entry in ClinVar:

NM_001367624.2(ZNF469):c.4920G>A (p.Ala1640=)

Gene: ZNF469 (zinc finger protein 469; plus strand). Cytogenetic location: 16q24.2.
Variant type: single nucleotide variant.
Coding change: c.4920G>A on transcript NM_001367624.2 (MANE Select); coding-DNA position 4920, G replaced by A.
Protein change: p.Ala1640=; no amino-acid change (alanine 1640 retained).
Molecular consequence: synonymous variant.
Genome position (GRCh38, 1-based): chr16:88,432,390, G>A. VCF-style: chr16-88432390-G-A. GRCh37 (hg19) VCF-style: chr16-88498798-G-A.
Other names: NM_001127464.2:c.4836G>A; NM_001127464.1:c.4836G>A.
Identifiers: ClinVar variation 1702134 (VCV001702134.35), dbSNP rs777779701, ClinGen allele CA8225026.

ClinVar aggregate classification (germline): Conflicting classifications of pathogenicity. Review status: criteria provided, conflicting classifications (1 of 4 stars). 5 submissions from 5 submitters: Uncertain significance (1); Likely benign (4). Last evaluated 2026-06-01.

Conditions:
Ehlers-Danlos syndrome (EDS). Identifiers: Orphanet 98249, MedGen C0013720, MONDO:0020066.
Cardiovascular phenotype. Identifiers: MedGen CN230736.

Allele frequency attached by ClinVar (database versions not stated): ExAC 0.00006; TOPMed 0.00006; gnomAD exomes 0.00007 and 0.00008; gnomAD 0.00016.
gnomAD v4.1: 139 of 1,549,522 alleles (0.009%); highest among the groups gnomAD compares: Middle Eastern, 0.033%; no homozygotes.

Submissions (5):

CeGaT Center for Human Genetics Tuebingen
Classification: Likely benign. Last evaluated: 2026-06-01. Review status: criteria provided, single submitter. Criteria: CeGaT Center For Human Genetics Tuebingen Variant Classification Criteria Version 2. Collection method: clinical testing. Allele origin: germline. Affected: yes. Observed: 2 variant alleles.
Comment: ZNF469: BP4, BP7

Labcorp Genetics (formerly Invitae), Labcorp
Classification: Likely benign. Last evaluated: 2026-01-25. Review status: criteria provided, single submitter. Criteria: Invitae Variant Classification Sherloc (09022015). Collection method: clinical testing. Allele origin: germline.

Blueprint Genetics
Classification: Likely benign. Last evaluated: 2023-05-16. Review status: criteria provided, single submitter. Criteria: ACMG Guidelines, 2015. Collection method: clinical testing. Allele origin: germline.

Genome Diagnostics Laboratory, The Hospital for Sick Children
Classification: Uncertain significance for Ehlers-Danlos syndrome. Last evaluated: 2021-04-16. Review status: criteria provided, single submitter. Criteria: ACMG Guidelines, 2015. Collection method: clinical testing. Allele origin: germline.

Ambry Genetics
Classification: Likely benign for Cardiovascular phenotype. Last evaluated: 2019-08-12. Review status: criteria provided, single submitter. Criteria: Ambry Variant Classification Scheme 2023. Collection method: clinical testing. Allele origin: germline.